The following is an entry in ClinVar:

NM_002529.4(NTRK1):c.478C>T (p.Gln160Ter)

Gene: NTRK1 (neurotrophic receptor tyrosine kinase 1; plus strand). Cytogenetic location: 1q23.1.
Variant type: single nucleotide variant.
Coding change: c.478C>T on transcript NM_002529.4 (MANE Select); coding-DNA position 478, C replaced by T.
Protein change: p.Gln160Ter; replaces glutamine 160 with a stop codon.
Molecular consequence: nonsense.
Genome position (GRCh38, 1-based): chr1:156,868,153, C>T. VCF-style: chr1-156868153-C-T. GRCh37 (hg19) VCF-style: chr1-156837945-C-T.
Other names: c.388C>T, p.Gln130Ter (NM_001007792.1); c.478C>T, p.Gln160Ter (NM_001012331.2); short protein forms Q160*, Q130*.
Identifiers: ClinVar variation 854137 (VCV000854137.7), dbSNP rs1647277529, ClinGen allele CA342933702.
Genomic context (GRCh38, chr1:156,868,153, plus strand): 5'-ATGCCCCCCAGGGTCCTGTCGGGGAACCCTCTGCACTGTTCTTGTGCCCTGCGCTGGCTA[C>T]AGCGCTGGGAGGAGGAGGGACTGGGCGGAGTGCCTGAACAGAAGCTGCAGTGTCATGGGC-3'

ClinVar aggregate classification (germline): Pathogenic (1 of 4 stars; one submission).

Conditions:
Hereditary insensitivity to pain with anhidrosis (CIPA). Also called: NTRK1 Congenital Insensitivity to Pain with Anhidrosis; INSENSITIVITY TO PAIN, CONGENITAL, WITH ANHIDROSIS; hereditary sensory and autonomic neuropathy type 4; NEUROPATHY, CONGENITAL SENSORY, WITH ANHIDROSIS; FAMILIAL DYSAUTONOMIA, TYPE II; HSAN Type IV. Identifiers: Orphanet 642, MedGen C0020074, MONDO:0009746, OMIM 256800.

Submission:

Labcorp Genetics (formerly Invitae), Labcorp
Classification: Pathogenic for Hereditary insensitivity to pain with anhidrosis. Last evaluated: 2019-11-26. Review status: criteria provided, single submitter. Criteria: Invitae Variant Classification Sherloc (09022015). Collection method: clinical testing. Allele origin: germline.
Comment: This sequence change creates a premature translational stop signal (p.Gln160*) in the NTRK1 gene. It is expected to result in an absent or disrupted protein product. For these reasons, this variant has been classified as Pathogenic. Loss-of-function variants in NTRK1 are known to be pathogenic (PMID: 10982191). This variant has not been reported in the literature in individuals with NTRK1-related conditions. This variant is not present in population databases (ExAC no frequency).

Literature cited by the submitters: PubMed 10982191.